The following is an entry in ClinVar:

ClinVar aggregate classification (germline): Pathogenic. Review status: criteria provided, single submitter (1 of 4 stars). 2 submissions from 2 submitters: Pathogenic (1). 1 of the submissions does not count toward it. Last evaluated 2024-03-10.

Conditions:
Congenital hereditary endothelial dystrophy of cornea. Also called: Congenital hereditary endothelial dystrophy of the cornea; Maumenee corneal dystrophy; CORNEAL DYSTROPHY, CONGENITAL HEREDITARY ENDOTHELIAL; Corneal endothelial dystrophy, autosomal recessive; Congenital hereditary endothelial dystrophy type II. Identifiers: Orphanet 293603, MedGen C1857569, MONDO:0009019, OMIM 217700.

Allele frequency attached by ClinVar (database versions not stated): gnomAD exomes below 0.00001 and 0.00001; TOPMed below 0.00001.
gnomAD v4.1: 8 of 1,612,952 alleles (0.0005%); highest among the groups gnomAD compares: South Asian, 0.0022%; no homozygotes.

Submissions (2):

Labcorp Genetics (formerly Invitae), Labcorp
Classification: Pathogenic. Last evaluated: 2024-03-10. Review status: criteria provided, single submitter. Criteria: Invitae Variant Classification Sherloc (09022015). Collection method: clinical testing. Allele origin: germline.
Comment: This sequence change replaces arginine, which is basic and polar, with glutamine, which is neutral and polar, at codon 755 of the SLC4A11 protein (p.Arg755Gln). This variant is present in population databases (rs121909387, gnomAD 0.003%). This missense change has been observed in individuals with congenital hereditary endothelial dystrophy (PMID: 16767101). It has also been observed to segregate with disease in related individuals. ClinVar contains an entry for this variant (Variation ID: 1304). Advanced modeling of protein sequence and biophysical properties (such as structural, functional, and spatial information, amino acid conservation, physicochemical variation, residue mobility, and thermodynamic stability) has been performed at Invitae for this missense variant, however the output from this modeling did not meet the statistical confidence thresholds required to predict the impact of this variant on SLC4A11 protein function. Experimental studies have shown that this missense change affects SLC4A11 function (PMID: 16767101). This variant disrupts the p.Arg755 amino acid residue in SLC4A11. Other variant(s) that disrupt this residue have been determined to be pathogenic (PMID: 17397048, 17679935, 18474783, 22072594). This suggests that this residue is clinically significant, and that variants that disrupt this residue are likely to be disease-causing. For these reasons, this variant has been classified as Pathogenic.

OMIM
Classification: Pathogenic for CORNEAL ENDOTHELIAL DYSTROPHY. Last evaluated: 2008-03-01. Review status: no assertion criteria provided. Collection method: literature only. Allele origin: germline. Not counted in ClinVar's aggregate classification.

Literature cited by the submitters: PubMed 16767101 (cited by Labcorp Genetics (formerly Invitae), Labcorp); PubMed 17397048 (cited by Labcorp Genetics (formerly Invitae), Labcorp); PubMed 17679935 (cited by Labcorp Genetics (formerly Invitae), Labcorp); PubMed 18474783 (cited by Labcorp Genetics (formerly Invitae), Labcorp); PubMed 22072594 (cited by Labcorp Genetics (formerly Invitae), Labcorp); PubMed 18024964 (cited by OMIM); PubMed 16825429 (cited by OMIM); Kannabiran, C. Personal Communication. 2007. Hyderabad, India (cited by OMIM).

NM_001174089.2(SLC4A11):c.2216G>A (p.Arg739Gln)

Gene: SLC4A11 (solute carrier family 4 member 11; minus strand). Cytogenetic location: 20p13.
Variant type: single nucleotide variant.
Coding change: c.2216G>A on transcript NM_001174089.2 (MANE Select); coding-DNA position 2216, G replaced by A.
Protein change: p.Arg739Gln; replaces arginine 739 with glutamine.
Molecular consequence: missense variant. On other transcripts: non-coding transcript variant (1).
Genome position (GRCh38, 1-based): chr20:3,228,684, C>T on the plus strand (G>A on the coding strand, the complement: SLC4A11 is on the minus strand). VCF-style: chr20-3228684-C-T. GRCh37 (hg19) VCF-style: chr20-3209330-C-T.
Other names: c.2345G>A, p.Arg782Gln (NM_001174090.2); c.2102G>A, p.Arg701Gln (NM_001363745.2); c.2264G>A, p.Arg755Gln (NM_032034.4); short protein forms R755Q, R739Q, R782Q, R701Q.
Identifiers: ClinVar variation 1304 (VCV000001304.6), dbSNP rs121909387, ClinGen allele CA250433.